The following is an entry in ClinVar:

ClinVar aggregate classification (germline): Uncertain significance. Review status: criteria provided, multiple submitters, no conflicts (2 of 4 stars). 2 submissions from 2 submitters: Uncertain significance (2). Last evaluated 2025-12-04.

Conditions:
Postaxial polydactyly-anterior pituitary anomalies-facial dysmorphism syndrome. Also called: Culler-Jones syndrome. Identifiers: Orphanet 420584, MedGen C4014479, MONDO:0014369, OMIM 615849.
Holoprosencephaly 9 (HPE9). Also called: HOLOPROSENCEPHALY WITH MICROPHTHALMIA AND FIRST BRANCHIAL ARCH ANOMALIES; PITUITARY ANOMALIES WITH HOLOPROSENCEPHALY-LIKE FEATURES. Identifiers: Orphanet 2162, MedGen C1835819, MONDO:0012563, OMIM 610829.
Inborn genetic diseases. Identifiers: MedGen C0950123, MeSH D030342.

Allele frequency attached by ClinVar (database versions not stated): gnomAD exomes below 0.00001; TOPMed 0.00001; gnomAD 0.00002.
gnomAD v4.1: 5 of 1,613,270 alleles (0.00031%); highest among the groups gnomAD compares: African/African-American, 0.0027%; no homozygotes.

Submissions (2):

Ambry Genetics
Classification: Uncertain significance for Inborn genetic diseases. Last evaluated: 2025-12-04. Review status: criteria provided, single submitter. Criteria: Ambry Variant Classification Scheme 2023. Collection method: clinical testing. Allele origin: germline.

Labcorp Genetics (formerly Invitae), Labcorp
Classification: Uncertain significance for Postaxial polydactyly-anterior pituitary anomalies-facial dysmorphism syndrome; Holoprosencephaly 9. Last evaluated: 2025-05-30. Review status: criteria provided, single submitter. Criteria: Invitae Variant Classification Sherloc (09022015). Collection method: clinical testing. Allele origin: germline.
Comment: This sequence change replaces proline, which is neutral and non-polar, with leucine, which is neutral and non-polar, at codon 189 of the GLI2 protein (p.Pro189Leu). This variant is present in population databases (no rsID available, gnomAD 0.01%). This variant has not been reported in the literature in individuals affected with GLI2-related conditions. ClinVar contains an entry for this variant (Variation ID: 2318727). An algorithm developed to predict the effect of missense changes on protein structure and function (PolyPhen-2) suggests that this variant is likely to be disruptive. In summary, the available evidence is currently insufficient to determine the role of this variant in disease. Therefore, it has been classified as a Variant of Uncertain Significance.

NM_001374353.1(GLI2):c.566C>T (p.Pro189Leu)

Gene: GLI2 (GLI family zinc finger 2; plus strand). Cytogenetic location: 2q14.2.
Variant type: single nucleotide variant.
Coding change: c.566C>T on transcript NM_001374353.1 (MANE Select); coding-DNA position 566, C replaced by T.
Protein change: p.Pro189Leu; replaces proline 189 with leucine.
Molecular consequence: missense variant.
Genome position (GRCh38, 1-based): chr2:120,955,353, C>T. VCF-style: chr2-120955353-C-T. GRCh37 (hg19) VCF-style: chr2-121712929-C-T.
Other names: c.566C>T, p.Pro189Leu (NM_001371271.1, NM_005270.5); c.191C>T, p.Pro64Leu (NM_001374354.1); short protein forms P64L, P189L.
Identifiers: ClinVar variation 2318727 (VCV002318727.5), dbSNP rs1350284317, ClinGen allele CA348162996.